The following is an entry in ClinVar:

ClinVar aggregate classification (germline): Conflicting classifications of pathogenicity. Review status: criteria provided, conflicting classifications (1 of 4 stars). 4 submissions from 4 submitters: Likely pathogenic (1); Uncertain significance (3). Last evaluated 2023-12-19.

Conditions:
Mowat-Wilson syndrome (MOWS). Also called: Classic Mowat-Wilson Syndrome. Identifiers: Orphanet 2152, MedGen C1856113, MONDO:0009341, OMIM 235730.

Submissions (4):

Greenwood Genetic Center Diagnostic Laboratories, Greenwood Genetic Center
Classification: Uncertain significance. Last evaluated: 2023-12-19. Review status: criteria provided, single submitter. Criteria: ACMG Guidelines, 2015. Collection method: clinical testing. Allele origin: germline. Affected: yes.
Comment: PS4_Supporting, PM2, PM6

Labcorp Genetics (formerly Invitae), Labcorp
Classification: Uncertain significance for Mowat-Wilson syndrome. Last evaluated: 2023-05-16. Review status: criteria provided, single submitter. Criteria: Invitae Variant Classification Sherloc (09022015). Collection method: clinical testing. Allele origin: germline.
Comment: In summary, the available evidence is currently insufficient to determine the role of this variant in disease. Therefore, it has been classified as a Variant of Uncertain Significance. Advanced modeling of protein sequence and biophysical properties (such as structural, functional, and spatial information, amino acid conservation, physicochemical variation, residue mobility, and thermodynamic stability) performed at Invitae indicates that this missense variant is expected to disrupt ZEB2 protein function. ClinVar contains an entry for this variant (Variation ID: 1698349). This missense change has been observed in individual(s) with clinical features of neurodevelopmental disorder (PMID: 31785789, 33565190). This sequence change replaces arginine, which is basic and polar, with glutamine, which is neutral and polar, at codon 1016 of the ZEB2 protein (p.Arg1016Gln). This variant is not present in population databases (gnomAD no frequency).

GeneDx
Classification: Likely pathogenic. Last evaluated: 2022-01-24. Review status: criteria provided, single submitter. Criteria: GeneDx Variant Classification Process June 2021. Collection method: clinical testing. Allele origin: germline. Affected: yes.
Comment: De novo variant with confirmed parentage in a patient with intellectual disability and behavioral abnormalities, however, the patient also harbored a second de novo variant in the TAOK1 gene (van Woerden et al., 2021); Not observed at significant frequency in large population cohorts (gnomAD); In silico analysis supports that this missense variant has a deleterious effect on protein structure/function; This variant is associated with the following publications: (PMID: 31785789, 33565190)

Neuberg Centre For Genomic Medicine, NCGM
Classification: Uncertain significance for Mowat-Wilson syndrome. Review status: criteria provided, single submitter. Criteria: ACMG Guidelines, 2015. Collection method: clinical testing. Allele origin: germline. Inheritance: Autosomal dominant inheritance. Affected: yes.
Comment: The missense c.3047G>Ap.Arg1016Gln variant in ZEB2 gene has not been reported previously as a pathogenic variant nor as a benign variant, to our knowledge. The p.Arg1016Gln variant is novel not in any individuals in gnomAD Exomes and 1000 Genomes. This variant has been reported to the ClinVar database as Likely pathogenic. This variant was detected in de novo state with partial matching phenotype along with another missense de novo variant in the same patient van Woerden GM, et. al., 2021. The amino acid change p.Arg1016Gln in ZEB2 is predicted as conserved by GERP++ and PhyloP across 100 vertebrates. The amino acid Arg at position 1016 is changed to a Gln changing protein sequence and it might alter its composition and physico-chemical properties. For these reasons, this variant has been classified as Variant of Uncertain Significance VUS.

Literature cited by the submitters: PubMed 31785789 (cited by Labcorp Genetics (formerly Invitae), Labcorp); PubMed 33565190 (cited by Labcorp Genetics (formerly Invitae), Labcorp).

NM_014795.4(ZEB2):c.3047G>A (p.Arg1016Gln)

Gene: ZEB2 (zinc finger E-box binding homeobox 2; minus strand). Cytogenetic location: 2q22.3.
Variant type: single nucleotide variant.
Coding change: c.3047G>A on transcript NM_014795.4 (MANE Select); coding-DNA position 3047, G replaced by A.
Protein change: p.Arg1016Gln; replaces arginine 1016 with glutamine.
Molecular consequence: missense variant.
Genome position (GRCh38, 1-based): chr2:144,396,432, C>T on the plus strand (G>A on the coding strand, the complement: ZEB2 is on the minus strand). VCF-style: chr2-144396432-C-T. GRCh37 (hg19) VCF-style: chr2-145153999-C-T.
Other names: c.2975G>A, p.Arg992Gln (NM_001171653.2); short protein forms R1016Q, R992Q.
Identifiers: ClinVar variation 1698349 (VCV001698349.7), dbSNP rs2149875484, ClinGen allele CA348703675.